The following is an entry in ClinVar:

NM_002529.4(NTRK1):c.97G>T (p.Ala33Ser)

Gene: NTRK1 (neurotrophic receptor tyrosine kinase 1; plus strand). Cytogenetic location: 1q23.1.
Variant type: single nucleotide variant.
Coding change: c.97G>T on transcript NM_002529.4 (MANE Select); coding-DNA position 97, G replaced by T.
Protein change: p.Ala33Ser; replaces alanine 33 with serine.
Molecular consequence: missense variant. On other transcripts: intron variant (1).
Genome position (GRCh38, 1-based): chr1:156,861,031, G>T. VCF-style: chr1-156861031-G-T. GRCh37 (hg19) VCF-style: chr1-156830823-G-T.
Other names: c.97G>T, p.Ala33Ser (NM_001012331.2); c.123-3323G>T (NM_001007792.1); short protein forms A33S.
Identifiers: ClinVar variation 1442011 (VCV001442011.30), dbSNP rs777913530, ClinGen allele CA1168818.
Genomic context (GRCh38, chr1:156,861,031, plus strand): 5'-CACAGCTGGGCTGCGGGGCCGGGCAGCCTGCTGGCTTGGCTGATACTGGCATCTGCGGGC[G>T]CCGCACCCTGCCCCGATGCCTGCTGCCCCCACGGCTCCTCGGGACTGCGATGCACCCGGG-3'
Protein context (NP_002520.2, residues 23-43): LAWLILASAG[Ala33Ser]APCPDACCPH

ClinVar aggregate classification (germline): Uncertain significance. Review status: criteria provided, multiple submitters, no conflicts (2 of 4 stars). 4 submissions from 4 submitters: Uncertain significance (4). Last evaluated 2023-11-01.

Conditions:
Inborn genetic diseases. Identifiers: MedGen C0950123, MeSH D030342.
Hereditary insensitivity to pain with anhidrosis (CIPA). Also called: NTRK1 Congenital Insensitivity to Pain with Anhidrosis; HSAN Type IV; INSENSITIVITY TO PAIN, CONGENITAL, WITH ANHIDROSIS; hereditary sensory and autonomic neuropathy type 4; FAMILIAL DYSAUTONOMIA, TYPE II; NEUROPATHY, CONGENITAL SENSORY, WITH ANHIDROSIS. Identifiers: Orphanet 642, MedGen C0020074, MONDO:0009746, OMIM 256800.

Allele frequency attached by ClinVar (database versions not stated): gnomAD exomes 0.00001; ExAC 0.00008; 1000 Genomes Project 30x 0.00016.
gnomAD v4.1: 4 of 1,545,098 alleles (0.00026%); highest among the groups gnomAD compares: African/African-American, 0.0027%; no homozygotes.

Submissions (4):

CeGaT Center for Human Genetics Tuebingen
Classification: Uncertain significance. Last evaluated: 2023-11-01. Review status: criteria provided, single submitter. Criteria: CeGaT Center For Human Genetics Tuebingen Variant Classification Criteria Version 2. Collection method: clinical testing. Allele origin: germline. Affected: yes. Observed: 1 variant allele.
Comment: NTRK1: PM2

Genome-Nilou Lab
Classification: Uncertain significance for Hereditary insensitivity to pain with anhidrosis. Last evaluated: 2023-04-11. Review status: criteria provided, single submitter. Criteria: ACMG Guidelines, 2015. Collection method: clinical testing. Allele origin: germline. Affected: no.

Ambry Genetics
Classification: Uncertain significance for Inborn genetic diseases. Last evaluated: 2022-09-22. Review status: criteria provided, single submitter. Criteria: Ambry Variant Classification Scheme 2023. Collection method: clinical testing. Allele origin: germline.
Comment: The p.A33S variant (also known as c.97G>T), located in coding exon 1 of the NTRK1 gene, results from a G to T substitution at nucleotide position 97. The alanine at codon 33 is replaced by serine, an amino acid with similar properties. This amino acid position is well conserved in available vertebrate species. In addition, this alteration is predicted to be tolerated by in silico analysis. Since supporting evidence is limited at this time, the clinical significance of this alteration remains unclear.

Labcorp Genetics (formerly Invitae), Labcorp
Classification: Uncertain significance for Hereditary insensitivity to pain with anhidrosis. Last evaluated: 2022-02-24. Review status: criteria provided, single submitter. Criteria: Invitae Variant Classification Sherloc (09022015). Collection method: clinical testing. Allele origin: germline.
Comment: This sequence change replaces alanine, which is neutral and non-polar, with serine, which is neutral and polar, at codon 33 of the NTRK1 protein (p.Ala33Ser). The frequency data for this variant in the population databases is considered unreliable, as metrics indicate poor data quality at this position in the gnomAD database. This variant has not been reported in the literature in individuals affected with NTRK1-related conditions. Advanced modeling of protein sequence and biophysical properties (such as structural, functional, and spatial information, amino acid conservation, physicochemical variation, residue mobility, and thermodynamic stability) performed at Invitae indicates that this missense variant is not expected to disrupt NTRK1 protein function. In summary, the available evidence is currently insufficient to determine the role of this variant in disease. Therefore, it has been classified as a Variant of Uncertain Significance.